The following is an entry in ClinVar:

NM_017617.5(NOTCH1):c.4180G>A (p.Gly1394Ser)

Gene: NOTCH1 (notch receptor 1; minus strand). Cytogenetic location: 9q34.3.
Variant type: single nucleotide variant.
Coding change: c.4180G>A on transcript NM_017617.5 (MANE Select); coding-DNA position 4180, G replaced by A.
Protein change: p.Gly1394Ser; replaces glycine 1394 with serine.
Molecular consequence: missense variant.
Genome position (GRCh38, 1-based): chr9:136,505,716, C>T on the plus strand (G>A on the coding strand, the complement: NOTCH1 is on the minus strand). VCF-style: chr9-136505716-C-T. GRCh37 (hg19) VCF-style: chr9-139400168-C-T.
Other names: c.4180G>A (NM_017617.3); short protein forms G1394S.
Identifiers: ClinVar variation 1430501 (VCV001430501.8), dbSNP rs1210347209, ClinGen allele CA375649331.

ClinVar aggregate classification (germline): Conflicting classifications of pathogenicity. Review status: criteria provided, conflicting classifications (1 of 4 stars). 2 submissions from 2 submitters: Uncertain significance (1); Likely benign (1). Last evaluated 2026-04-27.

Conditions:
Adams-Oliver syndrome 5 (AOS5). Identifiers: Orphanet 974, MedGen C4014970, MONDO:0014459, OMIM 616028.
Familial thoracic aortic aneurysm and aortic dissection (TAAD). Also called: Thoracic aortic aneurysms and dissections. Identifiers: Orphanet 91387, MedGen C4707243, MONDO:0019625.

Allele frequency attached by ClinVar (database versions not stated): TOPMed below 0.00001; gnomAD 0.00001; gnomAD exomes 0.00001.
gnomAD v4.1: 15 of 1,599,640 alleles (0.00094%); highest among the groups gnomAD compares: South Asian, 0.0044%; no homozygotes.

Submissions (2):

Ambry Genetics
Classification: Likely benign for Familial thoracic aortic aneurysm and aortic dissection. Last evaluated: 2026-04-27. Review status: criteria provided, single submitter. Criteria: Ambry Variant Classification Scheme 2023. Collection method: clinical testing. Allele origin: germline.

Labcorp Genetics (formerly Invitae), Labcorp
Classification: Uncertain significance for Adams-Oliver syndrome 5. Last evaluated: 2025-03-16. Review status: criteria provided, single submitter. Criteria: Invitae Variant Classification Sherloc (09022015). Collection method: clinical testing. Allele origin: germline.
Comment: This sequence change replaces glycine, which is neutral and non-polar, with serine, which is neutral and polar, at codon 1394 of the NOTCH1 protein (p.Gly1394Ser). The frequency data for this variant in the population databases is considered unreliable, as metrics indicate poor data quality at this position in the gnomAD database. This variant has not been reported in the literature in individuals affected with NOTCH1-related conditions. ClinVar contains an entry for this variant (Variation ID: 1430501). Invitae Evidence Modeling of protein sequence and biophysical properties (such as structural, functional, and spatial information, amino acid conservation, physicochemical variation, residue mobility, and thermodynamic stability) indicates that this missense variant is not expected to disrupt NOTCH1 protein function with a negative predictive value of 80%. In summary, the available evidence is currently insufficient to determine the role of this variant in disease. Therefore, it has been classified as a Variant of Uncertain Significance.